The following is an entry in ClinVar:

ClinVar aggregate classification (germline): Uncertain significance (1 of 4 stars; one submission).

Submission:

CeGaT Center for Human Genetics Tuebingen
Classification: Uncertain significance. Last evaluated: 2026-05-01. Review status: criteria provided, single submitter. Criteria: CeGaT Center For Human Genetics Tuebingen Variant Classification Criteria Version 2. Collection method: clinical testing. Allele origin: germline. Affected: yes. Observed: 1 variant allele.
Comment: ANKRD11: PM2, PM4:Supporting

NM_013275.6(ANKRD11):c.5767ATC[1] (p.Ile1924del)

Gene: ANKRD11 (ankyrin repeat domain 11; minus strand). Cytogenetic location: 16q24.3.
Variant type: Microsatellite.
Coding change: c.5767ATC[1] on transcript NM_013275.6 (MANE Select); one copy of the 3-base unit ATC starting at c.5767; the reference has two copies in a row; one copy, 3 bases deleted.
Protein change: p.Ile1924del; deletes isoleucine 1924.
Molecular consequence: inframe deletion.
Genome position (GRCh38, 1-based): chr16:89,280,770-89,280,772, GAT deleted on the plus strand (ATC on the coding strand, the reverse complement: ANKRD11 is on the minus strand); deleting any 3 consecutive bases within chr16:89,280,770-89,280,776 gives the same sequence; the position shown is the placement nearest the transcript's 3' end. VCF-style (leftmost placement, unchanged base first): chr16-89280769-GGAT-G. GRCh37 (hg19) VCF-style: chr16-89347177-GGAT-G.
Other names: c.5767ATC[1], p.Ile1924del (NM_001256182.2, NM_001256183.2); short protein forms I1924del.
Identifiers: ClinVar variation 4874851 (VCV004874851.2).